The following is an entry in ClinVar:

NM_000642.3(AGL):c.476A>G (p.His159Arg)

Gene: AGL (amylo-alpha-1,6-glucosidase and 4-alpha-glucanotransferase; plus strand). Cytogenetic location: 1p21.2.
Variant type: single nucleotide variant.
Coding change: c.476A>G on transcript NM_000642.3 (MANE Select); coding-DNA position 476, A replaced by G.
Protein change: p.His159Arg; replaces histidine 159 with arginine.
Molecular consequence: missense variant.
Genome position (GRCh38, 1-based): chr1:99,864,401, A>G. VCF-style: chr1-99864401-A-G. GRCh37 (hg19) VCF-style: chr1-100329957-A-G.
Other names: c.476A>G, p.His159Arg (NM_000028.3, NM_000643.3, NM_000644.3 and 3 more transcripts); c.428A>G, p.His143Arg (NM_000646.3); c.98A>G, p.His33Arg (NM_001425332.1); short protein forms H143R, H159R, H33R.
Identifiers: ClinVar variation 1364984 (VCV001364984.5), dbSNP rs2101093703, ClinGen allele CA341334753.

ClinVar aggregate classification (germline): Uncertain significance (1 of 4 stars; one submission).

Conditions:
Glycogen storage disease type III (GSD3). Also called: Cori disease; FORBES DISEASE. Identifiers: Orphanet 366, MedGen C0017922, MONDO:0009291, OMIM 232400.

Allele frequency attached by ClinVar (database versions not stated): gnomAD exomes below 0.00001.
gnomAD v4.1: 1 of 1,613,666 alleles (0.000062%); highest among the groups gnomAD compares: Non-Finnish European, 0.000085%; no homozygotes.

Submission:

Labcorp Genetics (formerly Invitae), Labcorp
Classification: Uncertain significance for Glycogen storage disease type III. Last evaluated: 2024-10-22. Review status: criteria provided, single submitter. Criteria: Invitae Variant Classification Sherloc (09022015). Collection method: clinical testing. Allele origin: germline.
Comment: This sequence change replaces histidine, which is basic and polar, with arginine, which is basic and polar, at codon 159 of the AGL protein (p.His159Arg). This variant is not present in population databases (gnomAD no frequency). This variant has not been reported in the literature in individuals affected with AGL-related conditions. ClinVar contains an entry for this variant (Variation ID: 1364984). Invitae Evidence Modeling of protein sequence and biophysical properties (such as structural, functional, and spatial information, amino acid conservation, physicochemical variation, residue mobility, and thermodynamic stability) indicates that this missense variant is expected to disrupt AGL protein function with a positive predictive value of 80%. In summary, the available evidence is currently insufficient to determine the role of this variant in disease. Therefore, it has been classified as a Variant of Uncertain Significance.